The following is an entry in ClinVar:

NM_000075.4(CDK4):c.762C>T (p.Pro254=)

Genes: TSPAN31 (tetraspanin 31; plus strand), CDK4 (cyclin dependent kinase 4; minus strand). Cytogenetic location: 12q14.1.
Variant type: single nucleotide variant.
Coding change: c.762C>T on transcript NM_000075.4 (MANE Select); coding-DNA position 762, C replaced by T.
Protein change: p.Pro254=; no amino-acid change (proline 254 retained).
Molecular consequence: synonymous variant. On other transcripts: 3 prime UTR variant (3).
Genome position (GRCh38, 1-based): chr12:57,749,239, G>A on the plus strand (C>T on the coding strand, the complement: CDK4 is on the minus strand). VCF-style: chr12-57749239-G-A. GRCh37 (hg19) VCF-style: chr12-58143022-G-A.
Other names: c.*1949G>A (NM_001330168.2, NM_001330169.2, NM_005981.5).
Identifiers: ClinVar variation 414918 (VCV000414918.28), dbSNP rs753908111, ClinGen allele CA6657691.

ClinVar aggregate classification (germline): Benign/Likely benign. Review status: criteria provided, multiple submitters, no conflicts (2 of 4 stars). 4 submissions from 4 submitters: Benign (1); Likely benign (3). Last evaluated 2025-08-06.

Conditions:
Familial melanoma. Also called: Hereditary melanoma; Hereditary cutaneous melanoma. Identifiers: Orphanet 618, MedGen C1512419, MONDO:0018961.
Hereditary cancer-predisposing syndrome. Also called: Tumor predisposition; Neoplastic Syndromes, Hereditary; Hereditary neoplastic syndrome; Hereditary Cancer Syndrome. Identifiers: Orphanet 140162, MedGen C0027672, MeSH D009386, MONDO:0015356.
Melanoma, cutaneous malignant, susceptibility to, 3. Also called: Cutaneous malignant melanoma 3. Identifiers: Orphanet 618, MedGen C1836892, MONDO:0012183, OMIM 609048.

Allele frequency attached by ClinVar (database versions not stated): gnomAD exomes below 0.00001; ExAC 0.00001; TOPMed 0.00002.
gnomAD v4.1: 4 of 1,614,086 alleles (0.00025%); highest among the groups gnomAD compares: Admixed American, 0.0017%; no homozygotes.

Submissions (4):

Labcorp Genetics (formerly Invitae), Labcorp
Classification: Likely benign for Familial melanoma. Last evaluated: 2025-08-06. Review status: criteria provided, single submitter. Criteria: Invitae Variant Classification Sherloc (09022015). Collection method: clinical testing. Allele origin: germline.

Myriad Genetics, Inc.
Classification: Benign for Melanoma, cutaneous malignant, susceptibility to, 3. Last evaluated: 2024-09-26. Review status: criteria provided, single submitter. Criteria: Myriad Autosomal Dominant, Autosomal Recessive and X-Linked Classification Criteria (2023). Collection method: clinical testing. Allele origin: unknown.
Comment: This variant is considered benign. This variant is a silent/synonymous amino acid change and it is not expected to impact splicing.

Ambry Genetics
Classification: Likely benign for Hereditary cancer-predisposing syndrome. Last evaluated: 2019-01-30. Review status: criteria provided, single submitter. Criteria: Ambry Variant Classification Scheme 2023. Collection method: clinical testing. Allele origin: germline.

GeneDx
Classification: Likely benign. Last evaluated: 2017-10-18. Review status: criteria provided, single submitter. Criteria: GeneDx Variant Classification (06012015). Collection method: clinical testing. Allele origin: germline. Affected: yes.
Comment: This variant is considered likely benign or benign based on one or more of the following criteria: it is a conservative change, it occurs at a poorly conserved position in the protein, it is predicted to be benign by multiple in silico algorithms, and/or has population frequency not consistent with disease.